The following is an entry in ClinVar:

NM_002907.4(RECQL):c.1922C>T (p.Ala641Val)

Genes: PYROXD1 (pyridine nucleotide-disulphide oxidoreductase domain 1; plus strand), RECQL (RecQ like helicase; minus strand). Cytogenetic location: 12p12.1.
Variant type: single nucleotide variant.
Coding change: c.1922C>T on transcript NM_002907.4 (MANE Select); coding-DNA position 1922, C replaced by T.
Protein change: p.Ala641Val; replaces alanine 641 with valine.
Molecular consequence: missense variant. On other transcripts: 3 prime UTR variant (3).
Genome position (GRCh38, 1-based): chr12:21,470,222, G>A on the plus strand (C>T on the coding strand, the complement: RECQL is on the minus strand). VCF-style: chr12-21470222-G-A. GRCh37 (hg19) VCF-style: chr12-21623156-G-A.
Other names: c.1922C>T, p.Ala641Val (NM_032941.3); c.*1468G>A (NM_001350912.2, NM_001350913.2, NM_024854.5); short protein forms A641V.
Identifiers: ClinVar variation 967492 (VCV000967492.12), dbSNP rs1942902579, ClinGen allele CA384113539.

ClinVar aggregate classification (germline): Uncertain significance. Review status: criteria provided, multiple submitters, no conflicts (2 of 4 stars). 2 submissions from 2 submitters: Uncertain significance (2). Last evaluated 2024-02-29.

Allele frequency attached by ClinVar (database versions not stated): TOPMed below 0.00001.

Submissions (2):

Ambry Genetics
Classification: Uncertain significance. Last evaluated: 2024-02-29. Review status: criteria provided, single submitter. Criteria: Ambry Variant Classification Scheme 2023. Collection method: clinical testing. Allele origin: germline.
Comment: The p.A641V variant (also known as c.1922C>T), located in coding exon 14 of the RECQL gene, results from a C to T substitution at nucleotide position 1922. The alanine at codon 641 is replaced by valine, an amino acid with similar properties. This amino acid position is conserved. In addition, this alteration is predicted to be tolerated by in silico analysis. Since supporting evidence is limited at this time, the clinical significance of this alteration remains unclear.

Labcorp Genetics (formerly Invitae), Labcorp
Classification: Uncertain significance. Last evaluated: 2019-10-14. Review status: criteria provided, single submitter. Criteria: Invitae Variant Classification Sherloc (09022015). Collection method: clinical testing. Allele origin: germline.
Comment: This sequence change replaces alanine with valine at codon 641 of the RECQL protein (p.Ala641Val). The alanine residue is moderately conserved and there is a small physicochemical difference between alanine and valine. This variant is not present in population databases (ExAC no frequency). This variant has not been reported in the literature in individuals with RECQL-related conditions. Algorithms developed to predict the effect of missense changes on protein structure and function (SIFT, PolyPhen-2, Align-GVGD) all suggest that this variant is likely to be tolerated, but these predictions have not been confirmed by published functional studies and their clinical significance is uncertain. In summary, the available evidence is currently insufficient to determine the role of this variant in disease. Therefore, it has been classified as a Variant of Uncertain Significance.